The following is an entry in ClinVar:

NM_006384.4(CIB1):c.13G>A (p.Gly5Ser)

Genes: CIB1 (calcium and integrin binding 1; minus strand), LOC130057907 (ATAC-STARR-seq lymphoblastoid silent region 6817; plus strand). Cytogenetic location: 15q26.1.
Variant type: single nucleotide variant.
Coding change: c.13G>A on transcript NM_006384.4 (MANE Select); coding-DNA position 13, G replaced by A.
Protein change: p.Gly5Ser; replaces glycine 5 with serine.
Molecular consequence: missense variant.
Genome position (GRCh38, 1-based): chr15:90,233,873, C>T on the plus strand (G>A on the coding strand, the complement: CIB1 is on the minus strand). VCF-style: chr15-90233873-C-T. GRCh37 (hg19) VCF-style: chr15-90777105-C-T.
Other names: c.13G>A, p.Gly5Ser (NM_001277764.2); short protein forms G5S.
Identifiers: ClinVar variation 1508535 (VCV001508535.6), dbSNP rs780799350, ClinGen allele CA7734365.

ClinVar aggregate classification (germline): Uncertain significance (1 of 4 stars; one submission).

Allele frequency attached by ClinVar (database versions not stated): TOPMed 0.00007; 1000 Genomes Project 30x 0.00031; gnomAD 0.00004.
gnomAD v4.1: 15 of 1,487,834 alleles (0.001%); highest among the groups gnomAD compares: African/African-American, 0.017%; no homozygotes.

Submission:

Labcorp Genetics (formerly Invitae), Labcorp
Classification: Uncertain significance. Last evaluated: 2021-08-22. Review status: criteria provided, single submitter. Criteria: Invitae Variant Classification Sherloc (09022015). Collection method: clinical testing. Allele origin: germline.
Comment: This sequence change replaces glycine with serine at codon 5 of the CIB1 protein (p.Gly5Ser). The glycine residue is moderately conserved and there is a small physicochemical difference between glycine and serine. The frequency data for this variant in the population databases is considered unreliable, as metrics indicate poor data quality at this position in the ExAC database. This variant has not been reported in the literature in individuals affected with CIB1-related conditions. Algorithms developed to predict the effect of missense changes on protein structure and function are either unavailable or do not agree on the potential impact of this missense change (SIFT: "Tolerated"; PolyPhen-2: "Not Available"; Align-GVGD: "Class C0"). In summary, the available evidence is currently insufficient to determine the role of this variant in disease. Therefore, it has been classified as a Variant of Uncertain Significance.